The following is an entry in ClinVar:

NM_000465.4(BARD1):c.1104C>T (p.Cys368=)

Gene: BARD1 (BRCA1 associated RING domain 1; minus strand). Cytogenetic location: 2q35.
Variant type: single nucleotide variant.
Coding change: c.1104C>T on transcript NM_000465.4 (MANE Select); coding-DNA position 1104, C replaced by T.
Protein change: p.Cys368=; no amino-acid change (cysteine 368 retained).
Molecular consequence: synonymous variant. On other transcripts: non-coding transcript variant (2), intron variant (3).
Genome position (GRCh38, 1-based): chr2:214,780,770, G>A on the plus strand (C>T on the coding strand, the complement: BARD1 is on the minus strand). VCF-style: chr2-214780770-G-A. GRCh37 (hg19) VCF-style: chr2-215645494-G-A.
Other names: c.1047C>T, p.Cys349= (NM_001282543.2); c.159-28215C>T (NM_001282548.2); c.215+16291C>T (NM_001282545.2); c.364+11527C>T (NM_001282549.2).
Identifiers: ClinVar variation 1125206 (VCV001125206.13), dbSNP rs371147849, ClinGen allele CA2090339.

ClinVar aggregate classification (germline): Benign/Likely benign. Review status: criteria provided, multiple submitters, no conflicts (2 of 4 stars). 3 submissions from 3 submitters: Benign (1); Likely benign (2). Last evaluated 2024-07-24.

Conditions:
Familial cancer of breast. Also called: BREAST CANCER, FAMILIAL; hereditary breast carcinoma; Hereditary breast cancer. Identifiers: Orphanet 227535, MedGen C0346153, MONDO:0016419, OMIM 114480. Disease mechanism: loss of function.
Hereditary cancer-predisposing syndrome. Also called: Hereditary neoplastic syndrome; Neoplastic Syndromes, Hereditary; Tumor predisposition; Hereditary Cancer Syndrome. Identifiers: Orphanet 140162, MedGen C0027672, MeSH D009386, MONDO:0015356.

gnomAD v4.1: 1 of 1,614,034 alleles (0.000062%); highest among the groups gnomAD compares: Non-Finnish European, 0.000085%; no homozygotes.

Submissions (3):

Myriad Genetics, Inc.
Classification: Benign for Familial cancer of breast. Last evaluated: 2024-07-24. Review status: criteria provided, single submitter. Criteria: Myriad Autosomal Dominant, Autosomal Recessive and X-Linked Classification Criteria (2023). Collection method: clinical testing. Allele origin: unknown.
Comment: This variant is considered benign. This variant is a silent/synonymous amino acid change and it is not expected to impact splicing.

Labcorp Genetics (formerly Invitae), Labcorp
Classification: Likely benign for Familial cancer of breast. Last evaluated: 2022-08-23. Review status: criteria provided, single submitter. Criteria: Invitae Variant Classification Sherloc (09022015). Collection method: clinical testing. Allele origin: germline.

Ambry Genetics
Classification: Likely benign for Hereditary cancer-predisposing syndrome. Last evaluated: 2021-10-26. Review status: criteria provided, single submitter. Criteria: Ambry Variant Classification Scheme 2023. Collection method: clinical testing. Allele origin: germline.